The following is an entry in ClinVar:

ClinVar aggregate classification (germline): Uncertain significance (1 of 4 stars; one submission).

Conditions:
Pitt-Hopkins-like syndrome 2 (PTHSL2). Identifiers: Orphanet 221150, Orphanet 600663, MedGen C3280479, MONDO:0013690, OMIM 614325.

Submission:

Labcorp Genetics (formerly Invitae), Labcorp
Classification: Uncertain significance for Pitt-Hopkins-like syndrome 2. Last evaluated: 2017-05-14. Review status: criteria provided, single submitter. Criteria: Invitae Variant Classification Sherloc (09022015). Collection method: clinical testing. Allele origin: germline.
Comment: In summary, this is a rare deletion with uncertain impact on protein function. It has been classified as a Variant of Uncertain Significance. Experimental studies and prediction algorithms are not available for this variant, and the functional significance of the deleted amino acids is currently unknown. This variant has been reported in two siblings affected with autism spectrum disorder (PMID: 22617343). This variant is a gross deletion of the genomic region encompassing exons 23-24 of the NRXN1 gene. The 5' boundary is likely confined to intron 22. The 3' end of this event is unknown as it extends through the termination codon beyond the assayed region for this gene and may encompass additional genes. While this deletion is not anticipated to result in nonsense mediated decay, it is expected to create a truncated protein product or disrupt mRNA translation.

Literature cited by the submitters: PubMed 22617343.

NC_000002.12:g.(?_49921924)_(49943811_?)del

Gene: NRXN1 (neurexin 1; minus strand). Cytogenetic location: 2p16.3.
Variant type: Deletion.
Identifiers: ClinVar variation 472634 (VCV000472634.4).